The following is an entry in ClinVar:

NM_000217.3(KCNA1):c.383A>G (p.Glu128Gly)

Gene: KCNA1 (potassium voltage-gated channel subfamily A member 1; plus strand). Cytogenetic location: 12p13.32.
Variant type: single nucleotide variant.
Coding change: c.383A>G on transcript NM_000217.3 (MANE Select); coding-DNA position 383, A replaced by G.
Protein change: p.Glu128Gly; replaces glutamic acid 128 with glycine.
Molecular consequence: missense variant.
Genome position (GRCh38, 1-based): chr12:4,911,761, A>G. VCF-style: chr12-4911761-A-G. GRCh37 (hg19) VCF-style: chr12-5020927-A-G.
Other names: short protein forms E128G.
Identifiers: ClinVar variation 2797155 (VCV002797155.3), dbSNP rs1167052717, ClinGen allele CA383454435.
Genomic context (GRCh38, chr12:4,911,761, plus strand): 5'-TGCCCCTGGACATGTTCTCCGAGGAGATCAAGTTTTACGAGTTGGGCGAGGAGGCCATGG[A>G]GAAGTTCCGGGAGGACGAGGGCTTCATCAAGGAGGAGGAGCGCCCTCTGCCCGAGAAGGA-3'
Protein context (NP_000208.2, residues 118-138): KFYELGEEAM[Glu128Gly]KFREDEGFIK

ClinVar aggregate classification (germline): Uncertain significance (1 of 4 stars; one submission).

Conditions:
Episodic ataxia type 1 (EA1). Also called: Episodic ataxia/myokymia syndrome; ATAXIA, EPISODIC, WITH MYOKYMIA; MYOKYMIA WITH PERIODIC ATAXIA; PAROXYSMAL ATAXIA WITH NEUROMYOTONIA, HEREDITARY. Identifiers: Orphanet 37612, Orphanet 972, MedGen C1719788, MONDO:0008047, OMIM 160120.

Submission:

Labcorp Genetics (formerly Invitae), Labcorp
Classification: Uncertain significance for Episodic ataxia type 1. Last evaluated: 2023-12-07. Review status: criteria provided, single submitter. Criteria: Invitae Variant Classification Sherloc (09022015). Collection method: clinical testing. Allele origin: germline.
Comment: This sequence change replaces glutamic acid, which is acidic and polar, with glycine, which is neutral and non-polar, at codon 128 of the KCNA1 protein (p.Glu128Gly). This variant is not present in population databases (gnomAD no frequency). This variant has not been reported in the literature in individuals affected with KCNA1-related conditions. Advanced modeling of protein sequence and biophysical properties (such as structural, functional, and spatial information, amino acid conservation, physicochemical variation, residue mobility, and thermodynamic stability) performed at Invitae indicates that this missense variant is not expected to disrupt KCNA1 protein function with a negative predictive value of 80%. In summary, the available evidence is currently insufficient to determine the role of this variant in disease. Therefore, it has been classified as a Variant of Uncertain Significance.